The following is an entry in ClinVar:

ClinVar aggregate classification (germline): Uncertain significance (1 of 4 stars; one submission).

gnomAD v4.1: 20 of 1,613,380 alleles (0.0012%); highest among the groups gnomAD compares: Non-Finnish European, 0.0016%; no homozygotes.

Submission:

Labcorp Genetics (formerly Invitae), Labcorp
Classification: Uncertain significance. Last evaluated: 2026-01-07. Review status: criteria provided, single submitter. Criteria: Invitae Variant Classification Sherloc (09022015). Collection method: clinical testing. Allele origin: germline.
Comment: This sequence change falls in intron 109 of the COL7A1 gene. It does not directly change the encoded amino acid sequence of the COL7A1 protein. It affects a nucleotide within the consensus splice site. This variant is present in population databases (no rsID available, gnomAD 0.0009%). This variant has not been reported in the literature in individuals affected with COL7A1-related conditions. ClinVar contains an entry for this variant (Variation ID: 3710599). Variants that disrupt the consensus splice site are a relatively common cause of aberrant splicing (PMID: 17576681, 9536098). Algorithms developed to predict the effect of sequence changes on RNA splicing suggest that this variant is not likely to affect RNA splicing. In summary, the available evidence is currently insufficient to determine the role of this variant in disease. Therefore, it has been classified as a Variant of Uncertain Significance.

Literature cited by the submitters: PubMed 17576681; PubMed 9536098.

NM_000094.4(COL7A1):c.8110-3C>T

Gene: COL7A1 (collagen type VII alpha 1 chain; minus strand). Cytogenetic location: 3p21.31.
Variant type: single nucleotide variant.
Coding change: c.8110-3C>T on transcript NM_000094.4 (MANE Select); 3 bases into the intron before coding-DNA position 8110, C replaced by T.
Molecular consequence: intron variant.
Genome position (GRCh38, 1-based): chr3:48,567,026, G>A on the plus strand (C>T on the coding strand, the complement: COL7A1 is on the minus strand). VCF-style: chr3-48567026-G-A. GRCh37 (hg19) VCF-style: chr3-48604459-G-A.
Identifiers: ClinVar variation 3710599 (VCV003710599.2).